The following is an entry in ClinVar:

NM_002317.7(LOX):c.269C>G (p.Pro90Arg)

Genes: LOX (lysyl oxidase; minus strand), SRFBP1 (serum response factor binding protein 1; plus strand). Cytogenetic location: 5q23.1.
Variant type: single nucleotide variant.
Coding change: c.269C>G on transcript NM_002317.7 (MANE Select); coding-DNA position 269, C replaced by G.
Protein change: p.Pro90Arg; replaces proline 90 with arginine.
Molecular consequence: missense variant.
Genome position (GRCh38, 1-based): chr5:122,077,717, G>C on the plus strand (C>G on the coding strand, the complement: LOX is on the minus strand). VCF-style: chr5-122077717-G-C. GRCh37 (hg19) VCF-style: chr5-121413412-G-C.
Other names: short protein forms P90R.
Identifiers: ClinVar variation 2985996 (VCV002985996.4), dbSNP rs749280415, ClinGen allele CA360877202.

ClinVar aggregate classification (germline): Uncertain significance. Review status: criteria provided, multiple submitters, no conflicts (2 of 4 stars). 2 submissions from 2 submitters: Uncertain significance (2). Last evaluated 2023-11-28.

gnomAD v4.1: 62 of 1,586,422 alleles (0.0039%); highest among the groups gnomAD compares: Non-Finnish European, 0.0053%; no homozygotes.

Submissions (2):

Blueprint Genetics
Classification: Uncertain significance. Last evaluated: 2023-11-28. Review status: criteria provided, single submitter. Criteria: ACMG Guidelines, 2015. Collection method: clinical testing. Allele origin: germline.

Labcorp Genetics (formerly Invitae), Labcorp
Classification: Uncertain significance. Last evaluated: 2023-07-06. Review status: criteria provided, single submitter. Criteria: Invitae Variant Classification Sherloc (09022015). Collection method: clinical testing. Allele origin: germline.
Comment: This variant is not present in population databases (gnomAD no frequency). In summary, the available evidence is currently insufficient to determine the role of this variant in disease. Therefore, it has been classified as a Variant of Uncertain Significance. Advanced modeling of protein sequence and biophysical properties (such as structural, functional, and spatial information, amino acid conservation, physicochemical variation, residue mobility, and thermodynamic stability) performed at Invitae indicates that this missense variant is not expected to disrupt LOX protein function. This variant has not been reported in the literature in individuals affected with LOX-related conditions. This sequence change replaces proline, which is neutral and non-polar, with arginine, which is basic and polar, at codon 90 of the LOX protein (p.Pro90Arg).